The following is an entry in ClinVar:

ClinVar aggregate classification (germline): Likely benign (1 of 4 stars; one submission).

Submission:

Mayo Clinic Laboratories, Mayo Clinic
Classification: Likely benign. Last evaluated: 2025-05-08. Review status: criteria provided, single submitter. Criteria: ACMG Guidelines, 2015. Collection method: clinical testing. Allele origin: germline. Observed: 1 variant allele.
Comment: BP4, BP7, PM2_supporting

NM_014908.4(DOLK):c.1077C>T (p.Leu359=)

Gene: DOLK (dolichol kinase; minus strand). Cytogenetic location: 9q34.11.
Variant type: single nucleotide variant.
Coding change: c.1077C>T on transcript NM_014908.4 (MANE Select); coding-DNA position 1077, C replaced by T.
Protein change: p.Leu359=; no amino-acid change (leucine 359 retained).
Molecular consequence: synonymous variant.
Genome position (GRCh38, 1-based): chr9:128,946,227, G>A on the plus strand (C>T on the coding strand, the complement: DOLK is on the minus strand). VCF-style: chr9-128946227-G-A. GRCh37 (hg19) VCF-style: chr9-131708506-G-A.
Other names: p.Leu359=.
Identifiers: ClinVar variation 4683441 (VCV004683441.1).
Genomic context (GRCh38, chr9:128,946,227, plus strand): 5'-GAAGTAGCGCACATACTCCAGGAAGATGAAGACCGCCAGGCATACAGTGGCGGCTACATA[G>A]AGCAGTGGCCGGTCAAAGATGATACCTGGGATGTAGGTGGCTACCACAATGAGGTGGAAA-3'
Protein context (NP_055723.1, residues 349-369): IPGIIFDRPL[Leu359=]YVAATVCLAV